The following is an entry in ClinVar:

ClinVar aggregate classification (germline): Uncertain significance (1 of 4 stars; one submission).

Conditions:
Inborn genetic diseases. Identifiers: MedGen C0950123, MeSH D030342.

Submission:

Ambry Genetics
Classification: Uncertain significance for Inborn genetic diseases. Last evaluated: 2023-10-06. Review status: criteria provided, single submitter. Criteria: Ambry Variant Classification Scheme 2023. Collection method: clinical testing. Allele origin: germline.
Comment: The p.A703T variant (also known as c.2107G>A), located in coding exon 18 of the LRRK2 gene, results from a G to A substitution at nucleotide position 2107. The alanine at codon 703 is replaced by threonine, an amino acid with similar properties. This amino acid position is conserved. In addition, this alteration is predicted to be tolerated by in silico analysis. Since supporting evidence is limited at this time, the clinical significance of this alteration remains unclear.

NM_198578.4(LRRK2):c.2107G>A (p.Ala703Thr)

Gene: LRRK2 (leucine rich repeat kinase 2; plus strand). Cytogenetic location: 12q12.
Variant type: single nucleotide variant.
Coding change: c.2107G>A on transcript NM_198578.4 (MANE Select); coding-DNA position 2107, G replaced by A.
Protein change: p.Ala703Thr; replaces alanine 703 with threonine.
Molecular consequence: missense variant.
Genome position (GRCh38, 1-based): chr12:40,278,127, G>A. VCF-style: chr12-40278127-G-A. GRCh37 (hg19) VCF-style: chr12-40671929-G-A.
Other names: short protein forms A703T.
Identifiers: ClinVar variation 3229540 (VCV003229540.1), dbSNP rs2499638690, ClinGen allele CA384405042.
Genomic context (GRCh38, chr12:40,278,127, plus strand): 5'-AATTCTCATTTCCACTCTTTTTAGTTTCTAAACCTCTGTTGCAAGTGTTTTGCAAAAGTA[G>A]CTATGGATGATTACTTAAAAAATGTGATGCTAGAGAGAGCGTGTGATCAGAATAACAGCA-3'
Protein context (NP_940980.4, residues 693-713): NLCCKCFAKV[Ala703Thr]MDDYLKNVML